The following is an entry in ClinVar:

NM_000132.4(F8):c.6685C>T (p.Leu2229Phe)

Gene: F8 (coagulation factor VIII; minus strand). Cytogenetic location: Xq28.
Variant type: single nucleotide variant.
Coding change: c.6685C>T on transcript NM_000132.4 (MANE Select); coding-DNA position 6685, C replaced by T.
Protein change: p.Leu2229Phe; replaces leucine 2229 with phenylalanine.
Molecular consequence: missense variant.
Genome position (GRCh38, 1-based): chrX:154,861,756, G>A on the plus strand (C>T on the coding strand, the complement: F8 is on the minus strand). VCF-style: chrX-154861756-G-A. GRCh37 (hg19) VCF-style: chrX-154090031-G-A.
Other names: c.280C>T, p.Leu94Phe (NM_019863.3); short protein forms L2229F, L94F.
Identifiers: ClinVar variation 627359 (VCV000627359.24), dbSNP rs1603431508, ClinGen allele CA414905398.

ClinVar aggregate classification (germline): Pathogenic/Likely pathogenic. Review status: criteria provided, multiple submitters, no conflicts (2 of 4 stars). 2 submissions from 2 submitters: Pathogenic (1); Likely pathogenic (1). Last evaluated 2023-12-01.

Conditions:
Abnormality of coagulation. Identifiers: MedGen C1846821, HP:0001928.

Submissions (2):

CeGaT Center for Human Genetics Tuebingen
Classification: Likely pathogenic. Last evaluated: 2023-12-01. Review status: criteria provided, single submitter. Criteria: CeGaT Center For Human Genetics Tuebingen Variant Classification Criteria Version 2. Collection method: clinical testing. Allele origin: germline. Affected: yes. Observed: 1 variant allele.
Comment: F8: PM1, PM2, PM5, PS4:Moderate, PS3:Supporting

NIHR Bioresource Rare Diseases, University of Cambridge
Classification: Pathogenic for Abnormality of coagulation. Last evaluated: 2019-02-01. Review status: criteria provided, single submitter. Criteria: ACMG Guidelines, 2015. Collection method: research. Allele origin: unknown. Affected: yes. Observed: 1 hemizygote. Study: ThromboGenomics.

Literature cited by the submitters: PubMed 31064749 (cited by NIHR Bioresource Rare Diseases, University of Cambridge).